The following is an entry in ClinVar:

ClinVar aggregate classification (germline): Likely benign. Review status: criteria provided, multiple submitters, no conflicts (2 of 4 stars). 9 submissions from 8 submitters: Likely benign (8). 1 of the submissions does not count toward it. Last evaluated 2026-01-26.

Conditions:
Retinitis pigmentosa 39 (RP39). Identifiers: Orphanet 791, MedGen C3151138, MONDO:0013436, OMIM 613809.
Usher syndrome type 2A. Also called: USHER SYNDROME, TYPE IIA; RETINAL DISEASE IN USHER SYNDROME TYPE IIA, MODIFIER OF. Identifiers: Orphanet 231178, Orphanet 886, MedGen C1848634, MONDO:0010169, OMIM 276901.

Allele frequency attached by ClinVar (database versions not stated): 1000 Genomes Project 0.00020; gnomAD exomes 0.00065 and 0.00134; gnomAD 0.00067 and 0.00070; ExAC 0.00073; TOPMed 0.00073; ESP Exome Variant Server 0.00123; 1000 Genomes Project 30x 0.00016.
gnomAD v4.1: 2,035 of 1,613,722 alleles (0.13%); highest among the groups gnomAD compares: Non-Finnish European, 0.16%; 1 homozygote.

Submissions (9):

Labcorp Genetics (formerly Invitae), Labcorp
Classification: Likely benign. Last evaluated: 2026-01-26. Review status: criteria provided, single submitter. Criteria: Invitae Variant Classification Sherloc (09022015). Collection method: clinical testing. Allele origin: germline.

CeGaT Center for Human Genetics Tuebingen
Classification: Likely benign. Last evaluated: 2025-09-01. Review status: criteria provided, single submitter. Criteria: CeGaT Center For Human Genetics Tuebingen Variant Classification Criteria Version 2. Collection method: clinical testing. Allele origin: germline. Affected: yes. Observed: 5 variant alleles.
Comment: USH2A: BP4, BP7

Blueprint Genetics
Classification: Likely benign. Last evaluated: 2024-11-08. Review status: criteria provided, single submitter. Criteria: ACMG Guidelines, 2015. Collection method: clinical testing. Allele origin: germline.

Genome-Nilou Lab
Classification: Likely benign for Retinitis pigmentosa 39. Last evaluated: 2023-11-04. Review status: criteria provided, single submitter. Criteria: ACMG Guidelines, 2015. Collection method: clinical testing. Allele origin: germline. Affected: no.

Genome-Nilou Lab
Classification: Likely benign for Usher syndrome type 2A. Last evaluated: 2023-11-04. Review status: criteria provided, single submitter. Criteria: ACMG Guidelines, 2015. Collection method: clinical testing. Allele origin: germline. Affected: no.

Women's Health and Genetics/Laboratory Corporation of America, LabCorp
Classification: Likely benign. Last evaluated: 2022-12-24. Review status: criteria provided, single submitter. Criteria: LabCorp Variant Classification Summary - May 2015. Collection method: clinical testing. Allele origin: germline.

GeneDx
Classification: Likely benign. Last evaluated: 2021-02-04. Review status: criteria provided, single submitter. Criteria: GeneDx Variant Classification Process June 2021. Collection method: clinical testing. Allele origin: germline. Affected: yes.

Laboratory for Molecular Medicine, Mass General Brigham Personalized Medicine
Classification: Likely benign. Last evaluated: 2017-10-24. Review status: criteria provided, single submitter. Criteria: LMM Criteria. Collection method: clinical testing. Allele origin: germline. Observed: 4 variant alleles.
Comment: p.Val1803Val in exon 27 of USH2A: This variant is not expected to have clinical significance because it does not alter an amino acid residue, is not located wit hin the splice consensus sequence, and has been identified in 0.1% (148/126184) of European chromosomes by the Genome Aggregation Database (gnomAD, d.; dbSNP rs140326085).

Natera, Inc.
Classification: Likely benign for Usher syndrome type 2A. Last evaluated: 2020-09-16. Review status: no assertion criteria provided. Collection method: clinical testing. Allele origin: germline. Not counted in ClinVar's aggregate classification.

NM_206933.4(USH2A):c.5409C>G (p.Val1803=)

Genes: USH2A (usherin; minus strand), USH2A-AS2 (USH2A antisense RNA 2; plus strand). Cytogenetic location: 1q41.
Variant type: single nucleotide variant.
Coding change: c.5409C>G on transcript NM_206933.4 (MANE Select); coding-DNA position 5409, C replaced by G.
Protein change: p.Val1803=; no amino-acid change (valine 1803 retained).
Molecular consequence: synonymous variant.
Genome position (GRCh38, 1-based): chr1:216,078,252, G>C on the plus strand (C>G on the coding strand, the complement: USH2A is on the minus strand). VCF-style: chr1-216078252-G-C. GRCh37 (hg19) VCF-style: chr1-216251594-G-C.
Identifiers: ClinVar variation 48532 (VCV000048532.44), dbSNP rs140326085, ClinGen allele CA143516.